The following is an entry in ClinVar:

NM_001330691.3(CEP78):c.1177C>T (p.Arg393Cys)

Gene: CEP78 (centrosomal protein 78; plus strand). Cytogenetic location: 9q21.2.
Variant type: single nucleotide variant.
Coding change: c.1177C>T on transcript NM_001330691.3 (MANE Select); coding-DNA position 1177, C replaced by T.
Protein change: p.Arg393Cys; replaces arginine 393 with cysteine.
Molecular consequence: missense variant.
Genome position (GRCh38, 1-based): chr9:78,252,015, C>T. VCF-style: chr9-78252015-C-T. GRCh37 (hg19) VCF-style: chr9-80866931-C-T.
Other names: c.1180C>T, p.Arg394Cys (NM_001098802.3, NM_001349839.2, NM_001349840.2 and 1 more transcripts); c.1177C>T, p.Arg393Cys (NM_001330693.3, NM_001330694.2, NM_001349838.2); short protein forms R393C, R394C.
Identifiers: ClinVar variation 1051636 (VCV001051636.9), dbSNP rs750484511, ClinGen allele CA5095163.
Genomic context (GRCh38, chr9:78,252,015, plus strand): 5'-GGTAAAGAATATTATGCGCCCGCACCTCTTCCACCTGGTGTGTCTGGTTTCTTGCCGTGG[C>T]GTACTGCAGAACGTGCAAAAAGACACAGGTAGGGTATTTTTATTTCCTATCTTTTAGGAT-3'
Protein context (NP_001317620.1, residues 383-403): PPGVSGFLPW[Arg393Cys]TAERAKRHRG

ClinVar aggregate classification (germline): Uncertain significance. Review status: criteria provided, multiple submitters, no conflicts (2 of 4 stars). 2 submissions from 2 submitters: Uncertain significance (2). Last evaluated 2024-05-27.

Allele frequency attached by ClinVar (database versions not stated): TOPMed below 0.00001; gnomAD 0.00001; gnomAD exomes 0.00002; ExAC 0.00003.
gnomAD v4.1: 24 of 1,597,694 alleles (0.0015%); highest among the groups gnomAD compares: South Asian, 0.01%; no homozygotes.

Submissions (2):

Blueprint Genetics
Classification: Uncertain significance. Last evaluated: 2024-05-27. Review status: criteria provided, single submitter. Criteria: ACMG Guidelines, 2015. Collection method: clinical testing. Allele origin: germline.

Labcorp Genetics (formerly Invitae), Labcorp
Classification: Uncertain significance. Last evaluated: 2020-07-27. Review status: criteria provided, single submitter. Criteria: Invitae Variant Classification Sherloc (09022015). Collection method: clinical testing. Allele origin: germline.
Comment: In summary, the available evidence is currently insufficient to determine the role of this variant in disease. Therefore, it has been classified as a Variant of Uncertain Significance. Algorithms developed to predict the effect of missense changes on protein structure and function are either unavailable or do not agree on the potential impact of this missense change (SIFT: "Deleterious"; PolyPhen-2: "Probably Damaging"; Align-GVGD: "Class C0"). This variant has not been reported in the literature in individuals with CEP78-related conditions. This variant is present in population databases (rs750484511, ExAC 0.01%). This sequence change replaces arginine with cysteine at codon 394 of the CEP78 protein (p.Arg394Cys). The arginine residue is highly conserved and there is a large physicochemical difference between arginine and cysteine.